The following is an entry in ClinVar:

ClinVar aggregate classification (germline): Conflicting classifications of pathogenicity. Review status: criteria provided, conflicting classifications (1 of 4 stars). 4 submissions from 4 submitters: Uncertain significance (3); Likely benign (1). Last evaluated 2025-11-07.

Conditions:
PRX-related disorder. Also called: PRX-Related Disorders; PRX-related condition.
Charcot-Marie-Tooth disease type 4. Also called: Charcot-Marie-Tooth disease, type IV; Charcot-Marie-Tooth, Type 4. Identifiers: Orphanet 64749, MedGen C4082197, MONDO:0018995.
Charcot-Marie-Tooth disease type 4F. Also called: Charcot-Marie-Tooth disease, demyelinating, type 4F. Identifiers: Orphanet 99952, MedGen C3540453, MONDO:0013959, OMIM 614895.
Inborn genetic diseases. Identifiers: MedGen C0950123, MeSH D030342.

Allele frequency attached by ClinVar (database versions not stated): gnomAD exomes 0.00002 and 0.00004; TOPMed 0.00003; gnomAD 0.00004; ExAC 0.00005.
gnomAD v4.1: 32 of 1,609,340 alleles (0.002%); highest among the groups gnomAD compares: South Asian, 0.0099%; no homozygotes.

Submissions (4):

PreventionGenetics, part of Exact Sciences
Classification: Uncertain significance for PRX-related condition. Last evaluated: 2025-11-07. Review status: criteria provided, single submitter. Criteria: ACMG Guidelines, 2015. Collection method: clinical testing. Allele origin: germline.
Comment: The PRX c.943C>T variant is predicted to result in the amino acid substitution p.Arg315Trp. To our knowledge, this variant has not been reported in the literature. This variant is reported in 0.014% of alleles in individuals of South Asian descent in gnomAD. At this time, the clinical significance of this variant is uncertain due to the absence of conclusive functional and genetic evidence.

Labcorp Genetics (formerly Invitae), Labcorp
Classification: Uncertain significance for Charcot-Marie-Tooth disease type 4. Last evaluated: 2025-04-11. Review status: criteria provided, single submitter. Criteria: Invitae Variant Classification Sherloc (09022015). Collection method: clinical testing. Allele origin: germline.
Comment: This sequence change replaces arginine, which is basic and polar, with tryptophan, which is neutral and slightly polar, at codon 315 of the PRX protein (p.Arg315Trp). This variant is present in population databases (rs763185527, gnomAD 0.01%). This variant has not been reported in the literature in individuals affected with PRX-related conditions. ClinVar contains an entry for this variant (Variation ID: 892732). An algorithm developed to predict the effect of missense changes on protein structure and function (PolyPhen-2) suggests that this variant is likely to be disruptive. In summary, the available evidence is currently insufficient to determine the role of this variant in disease. Therefore, it has been classified as a Variant of Uncertain Significance.

Ambry Genetics
Classification: Likely benign for Inborn genetic diseases. Last evaluated: 2024-01-24. Review status: criteria provided, single submitter. Criteria: Ambry Variant Classification Scheme 2023. Collection method: clinical testing. Allele origin: germline.

Illumina Laboratory Services, Illumina
Classification: Uncertain significance for Charcot-Marie-Tooth disease type 4F. Last evaluated: 2018-01-13. Review status: criteria provided, single submitter. Criteria: ICSL Variant Classification Criteria 13 December 2019. Collection method: clinical testing. Allele origin: germline.

NM_181882.3(PRX):c.943C>T (p.Arg315Trp)

Gene: PRX (periaxin; minus strand). Cytogenetic location: 19q13.2.
Variant type: single nucleotide variant.
Coding change: c.943C>T on transcript NM_181882.3 (MANE Select); coding-DNA position 943, C replaced by T.
Protein change: p.Arg315Trp; replaces arginine 315 with tryptophan.
Molecular consequence: missense variant. On other transcripts: 3 prime UTR variant (1).
Genome position (GRCh38, 1-based): chr19:40,397,409, G>A on the plus strand (C>T on the coding strand, the complement: PRX is on the minus strand). VCF-style: chr19-40397409-G-A. GRCh37 (hg19) VCF-style: chr19-40903316-G-A.
Other names: c.*1148C>T (NM_020956.2); short protein forms R315W.
Identifiers: ClinVar variation 892732 (VCV000892732.10), dbSNP rs763185527, ClinGen allele CA9444355.